The following is an entry in ClinVar:

ClinVar aggregate classification (germline): Uncertain significance (1 of 4 stars; one submission).

Submission:

Labcorp Genetics (formerly Invitae), Labcorp
Classification: Uncertain significance. Last evaluated: 2022-07-19. Review status: criteria provided, single submitter. Criteria: Invitae Variant Classification Sherloc (09022015). Collection method: clinical testing. Allele origin: germline.
Comment: In summary, the available evidence is currently insufficient to determine the role of this variant in disease. Therefore, it has been classified as a Variant of Uncertain Significance. Algorithms developed to predict the effect of missense changes on protein structure and function (SIFT, PolyPhen-2, Align-GVGD) all suggest that this variant is likely to be tolerated. This variant has not been reported in the literature in individuals affected with MSN-related conditions. This variant is not present in population databases (gnomAD no frequency). This sequence change replaces valine, which is neutral and non-polar, with isoleucine, which is neutral and non-polar, at codon 188 of the MSN protein (p.Val188Ile).

NM_002444.3(MSN):c.562G>A (p.Val188Ile)

Gene: MSN (moesin; plus strand). Cytogenetic location: Xq12.
Variant type: single nucleotide variant.
Coding change: c.562G>A on transcript NM_002444.3 (MANE Select); coding-DNA position 562, G replaced by A.
Protein change: p.Val188Ile; replaces valine 188 with isoleucine.
Molecular consequence: missense variant.
Genome position (GRCh38, 1-based): chrX:65,731,848, G>A. VCF-style: chrX-65731848-G-A. GRCh37 (hg19) VCF-style: chrX-64951710-G-A.
Other names: short protein forms V188I.
Identifiers: ClinVar variation 2072641 (VCV002072641.4), dbSNP rs2523006015, ClinGen allele CA413416075.